The following is an entry in ClinVar:

ClinVar aggregate classification (germline): Benign. Review status: criteria provided, single submitter (1 of 4 stars). 2 submissions from 2 submitters: Benign (1). 1 of the submissions does not count toward it. Last evaluated 2024-10-25.

Conditions:
BBS7-related disorder. Also called: BBS7-related condition.
Bardet-Biedl syndrome (BBS). Identifiers: Orphanet 110, MedGen C0752166, MONDO:0015229.

Submissions (2):

Labcorp Genetics (formerly Invitae), Labcorp
Classification: Benign for Bardet-Biedl syndrome. Last evaluated: 2024-10-25. Review status: criteria provided, single submitter. Criteria: Invitae Variant Classification Sherloc (09022015). Collection method: clinical testing. Allele origin: germline.

PreventionGenetics, part of Exact Sciences
Classification: Likely benign for BBS7-related condition. Last evaluated: 2021-04-12. Review status: no assertion criteria provided. Collection method: clinical testing. Allele origin: germline. Not counted in ClinVar's aggregate classification.
Comment: This variant is classified as likely benign based on ACMG/AMP sequence variant interpretation guidelines (Richards et al. 2015 PMID: 25741868, with internal and published modifications).

NM_176824.3(BBS7):c.166-4dup

Gene: BBS7 (Bardet-Biedl syndrome 7; minus strand). Cytogenetic location: 4q27.
Variant type: Duplication.
Coding change: c.166-4dup on transcript NM_176824.3 (MANE Select); 4 bases into the intron before coding-DNA position 166, one base duplicated (T; older notation c.166-4dupT).
Molecular consequence: intron variant.
Genome position (GRCh38, 1-based): chr4:121,861,683, A duplicated on the plus strand (T on the coding strand, the reverse complement: BBS7 is on the minus strand); the first of 7 consecutive A bases (chr4:121,861,683-121,861,689); duplicating any one gives the same sequence. VCF-style (leftmost placement, unchanged base first): chr4-121861682-G-GA. GRCh37 (hg19) VCF-style: chr4-122782837-G-GA.
Other names: c.166-4dupT (NM_176824.2); c.166-4dup (NM_018190.4).
Identifiers: ClinVar variation 2956393 (VCV002956393.5), dbSNP rs375070166, ClinGen allele CA3064568.